The following is an entry in ClinVar:

ClinVar aggregate classification (germline): Uncertain significance (1 of 4 stars; one submission).

Allele frequency attached by ClinVar (database versions not stated): gnomAD exomes below 0.00001; ExAC 0.00001.
gnomAD v4.1: 4 of 1,610,582 alleles (0.00025%); highest among the groups gnomAD compares: South Asian, 0.0033%; no homozygotes.

Submission:

Labcorp Genetics (formerly Invitae), Labcorp
Classification: Uncertain significance. Last evaluated: 2022-02-11. Review status: criteria provided, single submitter. Criteria: Invitae Variant Classification Sherloc (09022015). Collection method: clinical testing. Allele origin: germline.
Comment: In summary, the available evidence is currently insufficient to determine the role of this variant in disease. Therefore, it has been classified as a Variant of Uncertain Significance. Algorithms developed to predict the effect of missense changes on protein structure and function output the following: SIFT: "Tolerated"; PolyPhen-2: "Benign"; Align-GVGD: "Class C0". The leucine amino acid residue is found in multiple mammalian species, which suggests that this missense change does not adversely affect protein function. ClinVar contains an entry for this variant (Variation ID: 1017844). This variant has not been reported in the literature in individuals affected with C1S-related conditions. This variant is present in population databases (rs782437883, gnomAD no frequency). This sequence change replaces valine, which is neutral and non-polar, with leucine, which is neutral and non-polar, at codon 239 of the C1S protein (p.Val239Leu).

NM_001734.5(C1S):c.715G>C (p.Val239Leu)

Gene: C1S (complement C1s; plus strand). Cytogenetic location: 12p13.31.
Variant type: single nucleotide variant.
Coding change: c.715G>C on transcript NM_001734.5 (MANE Select); coding-DNA position 715, G replaced by C.
Protein change: p.Val239Leu; replaces valine 239 with leucine.
Molecular consequence: missense variant.
Genome position (GRCh38, 1-based): chr12:7,065,297, G>C. VCF-style: chr12-7065297-G-C. GRCh37 (hg19) VCF-style: chr12-7172601-G-C.
Other names: c.214G>C, p.Val72Leu (NM_001346850.2); c.715G>C, p.Val239Leu (NM_201442.4); short protein forms V239L, V72L.
Identifiers: ClinVar variation 1017844 (VCV001017844.8), dbSNP rs782437883, ClinGen allele CA6423524.